The following is an entry in ClinVar:

ClinVar aggregate classification (germline): Uncertain significance (1 of 4 stars; one submission).

Submission:

GeneDx
Classification: Uncertain significance. Last evaluated: 2024-04-04. Review status: criteria provided, single submitter. Criteria: GeneDx Variant Classification Process June 2021. Collection method: clinical testing. Allele origin: germline. Affected: yes.
Comment: Not observed at significant frequency in large population cohorts (gnomAD); In silico analysis indicates that this missense variant does not alter protein structure/function; Has not been previously published as pathogenic or benign to our knowledge

NM_005859.5(PURA):c.527G>A (p.Arg176Gln)

Gene: PURA (purine rich element binding protein A; plus strand). Cytogenetic location: 5q31.3.
Variant type: single nucleotide variant.
Coding change: c.527G>A on transcript NM_005859.5 (MANE Select); coding-DNA position 527, G replaced by A.
Protein change: p.Arg176Gln; replaces arginine 176 with glutamine.
Molecular consequence: missense variant.
Genome position (GRCh38, 1-based): chr5:140,114,708, G>A. VCF-style: chr5-140114708-G-A. GRCh37 (hg19) VCF-style: chr5-139494293-G-A.
Other names: short protein forms R176Q.
Identifiers: ClinVar variation 3371963 (VCV003371963.1).